The following is an entry in ClinVar:

ClinVar aggregate classification (germline): Uncertain significance (1 of 4 stars; one submission).

Conditions:
Myoclonic dystonia 11 (DYT11). Also called: Myoclonic dystonia; Dystonia 11; Dystonia, alcohol responsive; Hereditary essential myoclonus; SGCE Myoclonus-Dystonia; Myoclonus-Dystonia. Identifiers: Orphanet 36899, MedGen C1834570, MONDO:0008044, OMIM 159900.

Submission:

Labcorp Genetics (formerly Invitae), Labcorp
Classification: Uncertain significance for Myoclonic dystonia 11. Last evaluated: 2022-11-29. Review status: criteria provided, single submitter. Criteria: Invitae Variant Classification Sherloc (09022015). Collection method: clinical testing. Allele origin: germline.
Comment: This sequence change replaces threonine, which is neutral and polar, with arginine, which is basic and polar, at codon 86 of the SGCE protein (p.Thr86Arg). This variant is not present in population databases (gnomAD no frequency). This variant has not been reported in the literature in individuals affected with SGCE-related conditions. Advanced modeling of protein sequence and biophysical properties (such as structural, functional, and spatial information, amino acid conservation, physicochemical variation, residue mobility, and thermodynamic stability) performed at Invitae indicates that this missense variant is not expected to disrupt SGCE protein function. In summary, the available evidence is currently insufficient to determine the role of this variant in disease. Therefore, it has been classified as a Variant of Uncertain Significance.

NM_003919.3(SGCE):c.257C>G (p.Thr86Arg)

Genes: CASD1 (CAS1 domain sialic acid O acetyltransferase 1; plus strand), SGCE (sarcoglycan epsilon; minus strand). Cytogenetic location: 7q21.3.
Variant type: single nucleotide variant.
Coding change: c.257C>G on transcript NM_003919.3 (MANE Select); coding-DNA position 257, C replaced by G.
Protein change: p.Thr86Arg; replaces threonine 86 with arginine.
Molecular consequence: missense variant. On other transcripts: 5 prime UTR variant (2).
Genome position (GRCh38, 1-based): chr7:94,628,335, G>C on the plus strand (C>G on the coding strand, the complement: SGCE is on the minus strand). VCF-style: chr7-94628335-G-C. GRCh37 (hg19) VCF-style: chr7-94257647-G-C.
Other names: c.257C>G, p.Thr86Arg (NM_001099400.2, NM_001099401.2, NM_001346717.2); c.134C>G, p.Thr45Arg (NM_001301139.2, NM_001362809.2); c.365C>G, p.Thr122Arg (NM_001346713.2, NM_001346715.2); c.170C>G, p.Thr57Arg (NM_001346719.2, NM_001362807.2); c.-17C>G (NM_001346720.2, NM_001362808.2); short protein forms T122R, T45R, T86R, T57R.
Identifiers: ClinVar variation 2817377 (VCV002817377.3), dbSNP rs2485169649, ClinGen allele CA368238492.
Genomic context (GRCh38, chr7:94,628,335, plus strand): 5'-CTTTGGATATATCGAAGCCATCCAGGTCGGTCTGGGTAACCCATTAAATTTGTATTAAAT[G>C]TTATGGGATCATTACTAATCTCGCCTAGATAAGAAACAGAGAATTAAGACATAAGACAGT-3'
Protein context (NP_003910.1, residues 76-96): KPGEISNDPI[Thr86Arg]FNTNLMGYPD